The following is an entry in ClinVar:

NM_201384.3(PLEC):c.11214G>C (p.Lys3738Asn)

Gene: PLEC (plectin; minus strand). Cytogenetic location: 8q24.3.
Variant type: single nucleotide variant.
Coding change: c.11214G>C on transcript NM_201384.3 (MANE Select); coding-DNA position 11214, G replaced by C.
Protein change: p.Lys3738Asn; replaces lysine 3738 with asparagine.
Molecular consequence: missense variant.
Genome position (GRCh38, 1-based): chr8:143,918,607, C>G on the plus strand (G>C on the coding strand, the complement: PLEC is on the minus strand). VCF-style: chr8-143918607-C-G. GRCh37 (hg19) VCF-style: chr8-144992775-C-G.
Other names: c.11295G>C, p.Lys3765Asn (NM_000445.5); c.11172G>C, p.Lys3724Asn (NM_201378.4); c.11148G>C, p.Lys3716Asn (NM_201379.3); c.11625G>C, p.Lys3875Asn (NM_201380.4); c.11118G>C, p.Lys3706Asn (NM_201381.3); c.11214G>C, p.Lys3738Asn (NM_201382.4); c.11226G>C, p.Lys3742Asn (NM_201383.3); short protein forms K3742N, K3716N, K3765N, K3875N, K3706N, K3738N, K3724N.
Identifiers: ClinVar variation 958455 (VCV000958455.1), dbSNP rs1821401790, ClinGen allele CA372493810.

ClinVar aggregate classification (germline): Uncertain significance (1 of 4 stars; one submission).

Conditions:
Epidermolysis bullosa simplex 5B, with muscular dystrophy (EBS5B). Also called: Epidermolysis bullosa simplex with muscular dystrophy; EPIDERMOLYSIS BULLOSA SIMPLEX AND LIMB-GIRDLE MUSCULAR DYSTROPHY. Identifiers: Orphanet 257, MedGen C2931072, MONDO:0009181, OMIM 226670.
Epidermolysis bullosa simplex, Ogna type (EBS5A). Also called: Pidermolysis bullosa simplex 5A, Ogna type; EPIDERMOLYSIS BULLOSA SIMPLEX 5A, OGNA TYPE. Identifiers: Orphanet 79401, MedGen C0432317, MONDO:0007555, OMIM 131950.
Autosomal recessive limb-girdle muscular dystrophy type 2Q (LGMDR17). Also called: MUSCULAR DYSTROPHY, LIMB-GIRDLE, AUTOSOMAL RECESSIVE 17. Identifiers: Orphanet 254361, MedGen C3150989, MONDO:0013390, OMIM 613723.
Epidermolysis bullosa simplex with nail dystrophy (EBS5D). Identifiers: MedGen C4225309, MONDO:0014661, OMIM 616487.
Epidermolysis bullosa simplex 5C, with pyloric atresia (EBS5C). Also called: Epidermolysis bullosa simplex with pyloric atresia; PLEC-Related Epidermolysis Bullosa with Pyloric Atresia; PLEC1-Related Epidermolysis Bullosa with Pyloric Atresia. Identifiers: Orphanet 158684, MedGen C2677349, MONDO:0012807, OMIM 612138.

Submission:

Labcorp Genetics (formerly Invitae), Labcorp
Classification: Uncertain significance for Limb-girdle muscular dystrophy, type 2Q; Epidermolysis bullosa simplex, Ogna type; Epidermolysis bullosa simplex with nail dystrophy; Epidermolysis bullosa simplex with pyloric atresia; Epidermolysis bullosa simplex with muscular dystrophy. Last evaluated: 2019-09-20. Review status: criteria provided, single submitter. Criteria: Invitae Variant Classification Sherloc (09022015). Collection method: clinical testing. Allele origin: germline.
Comment: This sequence change replaces lysine with asparagine at codon 3765 of the PLEC protein (p.Lys3765Asn). The lysine residue is highly conserved and there is a moderate physicochemical difference between lysine and asparagine. This variant is not present in population databases (ExAC no frequency). This variant has not been reported in the literature in individuals with PLEC-related conditions. Algorithms developed to predict the effect of missense changes on protein structure and function (SIFT, PolyPhen-2, Align-GVGD) all suggest that this variant is likely to be disruptive, but these predictions have not been confirmed by published functional studies and their clinical significance is uncertain. In summary, the available evidence is currently insufficient to determine the role of this variant in disease. Therefore, it has been classified as a Variant of Uncertain Significance.